The following is an entry in ClinVar:

ClinVar aggregate classification (germline): Uncertain significance. Review status: criteria provided, multiple submitters, no conflicts (2 of 4 stars). 4 submissions from 4 submitters: Uncertain significance (4). Last evaluated 2025-06-26.

Conditions:
Brody myopathy. Also called: BRODY DISEASE. Identifiers: Orphanet 53347, MedGen C1832918, MONDO:0010977, OMIM 601003.

Allele frequency attached by ClinVar (database versions not stated): gnomAD 0.00001 and 0.00002; gnomAD exomes 0.00001; TOPMed 0.00001.
gnomAD v4.1: 24 of 1,614,196 alleles (0.0015%); highest among the groups gnomAD compares: East Asian, 0.0022%; no homozygotes.

Submissions (4):

Revvity Omics, Revvity
Classification: Uncertain significance for Brody myopathy. Last evaluated: 2025-06-26. Review status: criteria provided, single submitter. Criteria: ACMG Guidelines, 2015. Collection method: clinical testing. Allele origin: germline.

Mayo Clinic Laboratories, Mayo Clinic
Classification: Uncertain significance. Last evaluated: 2024-01-11. Review status: criteria provided, single submitter. Criteria: ACMG Guidelines, 2015. Collection method: clinical testing. Allele origin: germline. Observed: 1 variant allele.
Comment: PM2_moderate

GeneDx
Classification: Uncertain significance. Last evaluated: 2021-10-18. Review status: criteria provided, single submitter. Criteria: GeneDx Variant Classification Process June 2021. Collection method: clinical testing. Allele origin: germline. Affected: yes.
Comment: Not observed at significant frequency in large population cohorts (Lek et al., 2016); In silico analysis supports that this missense variant does not alter protein structure/function; Has not been previously published as pathogenic or benign to our knowledge

Labcorp Genetics (formerly Invitae), Labcorp
Classification: Uncertain significance for Brody myopathy. Last evaluated: 2021-01-03. Review status: criteria provided, single submitter. Criteria: Invitae Variant Classification Sherloc (09022015). Collection method: clinical testing. Allele origin: germline.
Comment: In summary, the available evidence is currently insufficient to determine the role of this variant in disease. Therefore, it has been classified as a Variant of Uncertain Significance. Algorithms developed to predict the effect of missense changes on protein structure and function are either unavailable or do not agree on the potential impact of this missense change (SIFT: "Deleterious"; PolyPhen-2: "Benign"; Align-GVGD: "Class C0"). This variant has not been reported in the literature in individuals with ATP2A1-related conditions. This variant is not present in population databases (ExAC no frequency). This sequence change replaces valine with isoleucine at codon 744 of the ATP2A1 protein (p.Val744Ile). The valine residue is highly conserved and there is a small physicochemical difference between valine and isoleucine.

NM_004320.6(ATP2A1):c.2230G>A (p.Val744Ile)

Gene: ATP2A1 (ATPase sarcoplasmic/endoplasmic reticulum Ca2+ transporting 1; plus strand). Cytogenetic location: 16p11.2.
Variant type: single nucleotide variant.
Coding change: c.2230G>A on transcript NM_004320.6 (MANE Select); coding-DNA position 2230, G replaced by A.
Protein change: p.Val744Ile; replaces valine 744 with isoleucine.
Molecular consequence: missense variant.
Genome position (GRCh38, 1-based): chr16:28,901,992, G>A. VCF-style: chr16-28901992-G-A. GRCh37 (hg19) VCF-style: chr16-28913313-G-A.
Other names: p.Val744Ile; c.2230G>A (NM_173201.4); c.1855G>A, p.Val619Ile (NM_001286075.2); c.2230G>A, p.Val744Ile (NM_173201.5); short protein forms V619I, V744I.
Identifiers: ClinVar variation 1302442 (VCV001302442.10), dbSNP rs866421756, ClinGen allele CA279243847.